The following is an entry in ClinVar:

ClinVar aggregate classification (germline): Uncertain significance. Review status: criteria provided, multiple submitters, no conflicts (2 of 4 stars). 2 submissions from 2 submitters: Uncertain significance (2). Last evaluated 2022-07-01.

Allele frequency attached by ClinVar (database versions not stated): gnomAD exomes below 0.00001; TOPMed below 0.00001.
gnomAD v4.1: 1 of 1,612,934 alleles (0.000062%); highest among the groups gnomAD compares: Non-Finnish European, 0.000085%; no homozygotes.

Submissions (2):

GeneDx
Classification: Uncertain significance. Last evaluated: 2022-07-01. Review status: criteria provided, single submitter. Criteria: GeneDx Variant Classification Process June 2021. Collection method: clinical testing. Allele origin: germline. Affected: yes.
Comment: Not observed at significant frequency in large population cohorts (gnomAD); In silico analysis supports that this missense variant does not alter protein structure/function; Has not been previously published as pathogenic or benign to our knowledge

Labcorp Genetics (formerly Invitae), Labcorp
Classification: Uncertain significance. Last evaluated: 2022-04-29. Review status: criteria provided, single submitter. Criteria: Invitae Variant Classification Sherloc (09022015). Collection method: clinical testing. Allele origin: germline.
Comment: In summary, the available evidence is currently insufficient to determine the role of this variant in disease. Therefore, it has been classified as a Variant of Uncertain Significance. Algorithms developed to predict the effect of missense changes on protein structure and function are either unavailable or do not agree on the potential impact of this missense change (SIFT: "Tolerated"; PolyPhen-2: "Possibly Damaging"; Align-GVGD: "Class C0"). This variant has not been reported in the literature in individuals affected with CCDC50-related conditions. This variant is not present in population databases (gnomAD no frequency). This sequence change replaces tyrosine, which is neutral and polar, with cysteine, which is neutral and slightly polar, at codon 480 of the CCDC50 protein (p.Tyr480Cys).

NM_178335.3(CCDC50):c.1439A>G (p.Tyr480Cys)

Gene: CCDC50 (coiled-coil domain containing 50; plus strand). Cytogenetic location: 3q28.
Variant type: single nucleotide variant.
Coding change: c.1439A>G on transcript NM_178335.3 (MANE Select); coding-DNA position 1439, A replaced by G.
Protein change: p.Tyr480Cys; replaces tyrosine 480 with cysteine.
Molecular consequence: missense variant.
Genome position (GRCh38, 1-based): chr3:191,391,750, A>G. VCF-style: chr3-191391750-A-G. GRCh37 (hg19) VCF-style: chr3-191109539-A-G.
Other names: c.911A>G, p.Tyr304Cys (NM_174908.4); short protein forms Y304C, Y480C.
Identifiers: ClinVar variation 1810183 (VCV001810183.5), dbSNP rs1713700138, ClinGen allele CA355770158.